The following is an entry in ClinVar:

NM_001042492.3(NF1):c.7971-26_8102dup

Gene: NF1 (neurofibromin 1; plus strand). Cytogenetic location: 17q11.2.
Variant type: Duplication.
Coding change: c.7971-26_8102dup on transcript NM_001042492.3 (MANE Select); 26 bases into the intron before coding-DNA position 7971 through coding-DNA position 8102, 158 bases duplicated.
Molecular consequence: splice acceptor variant.
Genome position (GRCh38, 1-based): chr17:31,358,454-31,358,611, 158 bases duplicated. GRCh37 (hg19): chr17:29,685,472-29,685,629.
Other names: c.7908-26_8039dup (NM_000267.4).
Identifiers: ClinVar variation 4714517 (VCV004714517.1).

ClinVar aggregate classification (germline): Uncertain significance (1 of 4 stars; one submission).

Conditions:
Neurofibromatosis, type 1 (NF1). Also called: VON RECKLINGHAUSEN DISEASE; Peripheral type neurofibromatosis; NEUROFIBROMATOSIS, TYPE I, SOMATIC; Neurofibromatosis, type I. Identifiers: Orphanet 636, MedGen C0027831, MONDO:0018975, OMIM 162200. Disease mechanism: loss of function.

Submission:

Labcorp Genetics (formerly Invitae), Labcorp
Classification: Uncertain significance for Neurofibromatosis, type 1. Last evaluated: 2025-03-06. Review status: criteria provided, single submitter. Criteria: Invitae Variant Classification Sherloc (09022015). Collection method: clinical testing. Allele origin: germline.
Comment: This sequence change falls in intron 53 of the NF1 gene. It does not directly change the encoded amino acid sequence of the NF1 protein. This variant is not present in population databases (gnomAD no frequency). This variant has not been reported in the literature in individuals affected with NF1-related conditions. This variant is also known as c.7908-26_8039dup (p.Tyr2681Serfs*30). Experimental studies and prediction algorithms are not available or were not evaluated, and the effect of this variant on mRNA splicing is currently unknown. In summary, the available evidence is currently insufficient to determine the role of this variant in disease. Therefore, it has been classified as a Variant of Uncertain Significance.